The following is an entry in ClinVar:

ClinVar aggregate classification (germline): Likely benign (1 of 4 stars; one submission).

gnomAD v4.1: 14 of 1,612,486 alleles (0.00087%); highest among the groups gnomAD compares: East Asian, 0.0045%; no homozygotes.

Submission:

CeGaT Center for Human Genetics Tuebingen
Classification: Likely benign. Last evaluated: 2026-02-01. Review status: criteria provided, single submitter. Criteria: CeGaT Center For Human Genetics Tuebingen Variant Classification Criteria Version 2. Collection method: clinical testing. Allele origin: germline. Affected: yes. Observed: 1 variant allele.
Comment: ADGRL1: BP4, BP7

NM_014921.5(ADGRL1):c.93G>A (p.Pro31=)

Gene: ADGRL1 (adhesion G protein-coupled receptor L1; minus strand). Cytogenetic location: 19p13.12.
Variant type: single nucleotide variant.
Coding change: c.93G>A on transcript NM_014921.5 (MANE Select); coding-DNA position 93, G replaced by A.
Protein change: p.Pro31=; no amino-acid change (proline 31 retained).
Molecular consequence: synonymous variant.
Genome position (GRCh38, 1-based): chr19:14,177,722, C>T on the plus strand (G>A on the coding strand, the complement: ADGRL1 is on the minus strand). VCF-style: chr19-14177722-C-T. GRCh37 (hg19) VCF-style: chr19-14288534-C-T.
Other names: c.93G>A, p.Pro31= (NM_001008701.3).
Identifiers: ClinVar variation 4821073 (VCV004821073.4).